The following is an entry in ClinVar:

ClinVar aggregate classification (germline): Uncertain significance (1 of 4 stars; one submission).

gnomAD v4.1: 1 of 1,614,168 alleles (0.000062%); highest among the groups gnomAD compares: South Asian, 0.0011%; no homozygotes.

Submission:

Ambry Genetics
Classification: Uncertain significance. Last evaluated: 2024-05-22. Review status: criteria provided, single submitter. Criteria: Ambry Variant Classification Scheme 2023. Collection method: clinical testing. Allele origin: germline.
Comment: The p.E1716K variant (also known as c.5146G>A), located in coding exon 4 of the ALPK2 gene, results from a G to A substitution at nucleotide position 5146. The glutamic acid at codon 1716 is replaced by lysine, an amino acid with similar properties. This amino acid position is conserved. In addition, this alteration is predicted to be tolerated by in silico analysis. Based on the available evidence, the clinical significance of this variant remains unclear.

NM_052947.4(ALPK2):c.5146G>A (p.Glu1716Lys)

Genes: ALPK2 (alpha kinase 2; minus strand), LOC130062577 (ATAC-STARR-seq lymphoblastoid active region 13389; plus strand). Cytogenetic location: 18q21.31.
Variant type: single nucleotide variant.
Coding change: c.5146G>A on transcript NM_052947.4 (MANE Select); coding-DNA position 5146, G replaced by A.
Protein change: p.Glu1716Lys; replaces glutamic acid 1716 with lysine.
Molecular consequence: missense variant.
Genome position (GRCh38, 1-based): chr18:58,535,041, C>T on the plus strand (G>A on the coding strand, the complement: ALPK2 is on the minus strand). VCF-style: chr18-58535041-C-T. GRCh37 (hg19) VCF-style: chr18-56202273-C-T.
Other names: short protein forms E1716K.
Identifiers: ClinVar variation 3289152 (VCV003289152.1).
Genomic context (GRCh38, chr18:58,535,041, plus strand): 5'-CCACCCTGGACAAAATTTTCTTCTTTACTCCCTCAGCTAAATGTCCACTGCCTGGGGCTT[C>T]TGGCTTCCTCTTGACCTCCTCTGACCCCGTCACTGCTGTGAGGGTCCCTGGCGATTTGCC-3'
Protein context (NP_443179.3, residues 1706-1726): TGSEEVKRKP[Glu1716Lys]APGSGHLAEG